The following is an entry in ClinVar:

ClinVar aggregate classification (germline): Benign/Likely benign. Review status: criteria provided, multiple submitters, no conflicts (2 of 4 stars). 6 submissions from 6 submitters: Benign (5); Likely benign (1). Last evaluated 2026-08-01.

Conditions:
Asphyxiating thoracic dystrophy 3. Also called: SHORT-RIB THORACIC DYSPLASIA 3 WITH OR WITHOUT POLYDACTYLY; POLYDACTYLY WITH NEONATAL CHONDRODYSTROPHY, TYPE I; SHORT-RIB THORACIC DYSPLASIA 3/6 WITH POLYDACTYLY, DIGENIC; Short rib polydactyly syndrome 2B; Saldino-Noonan Syndrome. Identifiers: Orphanet 474, Orphanet 93269, Orphanet 93270, Orphanet 93271, MedGen C0036069, MONDO:0013127, OMIM 613091.
Jeune thoracic dystrophy. Also called: Short-rib thoracic dysplasia; Jeune syndrome; Infantile thoracic dystrophy; Thoracic pelvic phalangeal dystrophy; Jeune's syndrome; Chondroectodermal dysplasia-like syndrome. Identifiers: Orphanet 474, MedGen C0265275, MONDO:0018770.

Allele frequency attached by ClinVar (database versions not stated): 1000 Genomes Project 0.00439; 1000 Genomes Project 30x 0.00468; TOPMed 0.01046; gnomAD 0.01082 and 0.01113; ESP Exome Variant Server 0.01162; ExAC 0.01290.
gnomAD v4.1: 21,704 of 1,613,766 alleles (1.3%); highest among the groups gnomAD compares: Non-Finnish European, 1.4%; 206 homozygotes.

Submissions (6):

CeGaT Center for Human Genetics Tuebingen
Classification: Benign. Last evaluated: 2026-08-01. Review status: criteria provided, single submitter. Criteria: CeGaT Center For Human Genetics Tuebingen Variant Classification Criteria Version 2. Collection method: clinical testing. Allele origin: germline. Affected: yes. Observed: 6 variant alleles.
Comment: DYNC2H1: BS1, BS2

Labcorp Genetics (formerly Invitae), Labcorp
Classification: Benign for Jeune thoracic dystrophy. Last evaluated: 2026-02-04. Review status: criteria provided, single submitter. Criteria: Invitae Variant Classification Sherloc (09022015). Collection method: clinical testing. Allele origin: germline.

Blueprint Genetics
Classification: Likely benign. Last evaluated: 2024-11-27. Review status: criteria provided, single submitter. Criteria: ACMG Guidelines, 2015. Collection method: clinical testing. Allele origin: germline.

ARUP Laboratories, Molecular Genetics and Genomics, ARUP Laboratories
Classification: Benign for Asphyxiating thoracic dystrophy 3. Last evaluated: 2024-08-09. Review status: criteria provided, single submitter. Criteria: ARUP Molecular Germline Variant Investigation Process 2024. Collection method: clinical testing. Allele origin: germline.

Illumina Laboratory Services, Illumina
Classification: Benign for Asphyxiating thoracic dystrophy 3. Last evaluated: 2018-01-13. Review status: criteria provided, single submitter. Criteria: ICSL Variant Classification Criteria 13 December 2019. Collection method: clinical testing. Allele origin: germline.
Comment: This variant was observed in the ICSL laboratory as part of a predisposition screen in an ostensibly healthy population. It had not been previously curated by ICSL or reported in the Human Gene Mutation Database (HGMD: prior to June 1st, 2018), and was therefore a candidate for classification through an automated scoring system. Utilizing variant allele frequency, disease prevalence and penetrance estimates, and inheritance mode, an automated score was calculated to assess if this variant is too frequent to cause the disease. Based on the score and internal cut-off values, a variant classified as benign is not then subjected to further curation. The score for this variant resulted in a classification of benign for this disease.

GeneDx
Classification: Benign. Last evaluated: 2016-06-29. Review status: criteria provided, single submitter. Criteria: GeneDx Variant Classification (06012015). Collection method: clinical testing. Allele origin: germline. Affected: yes.
Comment: This variant is considered likely benign or benign based on one or more of the following criteria: it is a conservative change, it occurs at a poorly conserved position in the protein, it is predicted to be benign by multiple in silico algorithms, and/or has population frequency not consistent with disease.

NM_001377.3(DYNC2H1):c.12865G>C (p.Gly4289Arg)

Gene: DYNC2H1 (dynein cytoplasmic 2 heavy chain 1; plus strand). Cytogenetic location: 11q22.3.
Variant type: single nucleotide variant.
Coding change: c.12865G>C on transcript NM_001377.3 (MANE Select); coding-DNA position 12865, G replaced by C.
Protein change: p.Gly4289Arg; replaces glycine 4289 with arginine.
Molecular consequence: missense variant.
Genome position (GRCh38, 1-based): chr11:103,479,194, G>C. VCF-style: chr11-103479194-G-C. GRCh37 (hg19) VCF-style: chr11-103349922-G-C.
Other names: c.12886G>C, p.Gly4296Arg (NM_001080463.2); short protein forms G4296R, G4289R.
Identifiers: ClinVar variation 302131 (VCV000302131.38), dbSNP rs144717489, ClinGen allele CA6255705.
Genomic context (GRCh38, chr11:103,479,194, plus strand): 5'-TTGCCTGTTTACACAAGTGCTGAAAGGGATCGTGTGGTTACCAATATTGATGTTCCATGT[G>C]GGGGCAACCAAGACCAGTGGATTCAGTGTGGAGCAGCTCTATTCCTAAAAAATCAGTAGA-3'
Protein context (NP_001368.2, residues 4279-4299): RVVTNIDVPC[Gly4289Arg]GNQDQWIQCG